The following is an entry in ClinVar:

ClinVar aggregate classification (germline): Uncertain significance. Review status: criteria provided, multiple submitters, no conflicts (2 of 4 stars). 4 submissions from 4 submitters: Uncertain significance (4). Last evaluated 2025-07-25.

Conditions:
Familial cancer of breast. Also called: Hereditary breast cancer; BREAST CANCER, FAMILIAL; hereditary breast carcinoma. Identifiers: Orphanet 227535, MedGen C0346153, MONDO:0016419, OMIM 114480. Disease mechanism: loss of function.
Hereditary cancer-predisposing syndrome. Also called: Hereditary Cancer Syndrome; Neoplastic Syndromes, Hereditary; Tumor predisposition; Hereditary neoplastic syndrome. Identifiers: Orphanet 140162, MedGen C0027672, MeSH D009386, MONDO:0015356.

Allele frequency attached by ClinVar (database versions not stated): gnomAD exomes below 0.00001.
gnomAD v4.1: 4 of 1,560,346 alleles (0.00026%); highest among the groups gnomAD compares: Non-Finnish European, 0.00035%; no homozygotes.

Submissions (4):

Ambry Genetics
Classification: Uncertain significance for Hereditary cancer-predisposing syndrome. Last evaluated: 2025-07-25. Review status: criteria provided, single submitter. Criteria: Ambry Variant Classification Scheme 2023. Collection method: clinical testing. Allele origin: germline.
Comment: The p.I286T variant (also known as c.857T>C), located in coding exon 7 of the CHEK2 gene, results from a T to C substitution at nucleotide position 857. The isoleucine at codon 286 is replaced by threonine, an amino acid with similar properties. In one study, this alteration was observed in 1/12,490 male controls and not detected in 7,051 unselected female breast cancer patients, 53 male breast cancer patients or 11,241 female controls of Japanese ancestry (Momozawa Y et al. Nat Commun, 2018 10;9:4083). This amino acid position is highly conserved in available vertebrate species. In addition, this alteration is predicted to be deleterious by in silico analysis. Since supporting evidence is limited at this time, the clinical significance of this alteration remains unclear.

Color Diagnostics, LLC DBA Color Health
Classification: Uncertain significance for Hereditary cancer-predisposing syndrome. Last evaluated: 2025-04-28. Review status: criteria provided, single submitter. Criteria: ACMG Guidelines, 2015. Collection method: clinical testing. Allele origin: germline.
Comment: This missense variant replaces isoleucine with threonine at codon 286 of the CHEK2 protein. Computational prediction is inconclusive regarding the impact of this variant on protein structure and function. To our knowledge, functional studies have not been reported for this variant. This variant has not been reported in individuals affected with CHEK2-related disorders in the literature. This variant has not been identified in the general population by the Genome Aggregation Database (gnomAD). The available evidence is insufficient to determine the role of this variant in disease conclusively. Therefore, this variant is classified as a Variant of Uncertain Significance.

Labcorp Genetics (formerly Invitae), Labcorp
Classification: Uncertain significance for Familial cancer of breast. Last evaluated: 2025-02-19. Review status: criteria provided, single submitter. Criteria: Invitae Variant Classification Sherloc (09022015). Collection method: clinical testing. Allele origin: germline.
Comment: This sequence change replaces isoleucine, which is neutral and non-polar, with threonine, which is neutral and polar, at codon 286 of the CHEK2 protein (p.Ile286Thr). This variant is not present in population databases (gnomAD no frequency). This variant has not been reported in the literature in individuals affected with CHEK2-related conditions. ClinVar contains an entry for this variant (Variation ID: 489884). An algorithm developed to predict the effect of missense changes on protein structure and function (PolyPhen-2) suggests that this variant is likely to be disruptive. In summary, the available evidence is currently insufficient to determine the role of this variant in disease. Therefore, it has been classified as a Variant of Uncertain Significance.

GeneDx
Classification: Uncertain significance. Last evaluated: 2022-10-05. Review status: criteria provided, single submitter. Criteria: GeneDx Variant Classification Process June 2021. Collection method: clinical testing. Allele origin: germline. Affected: yes.
Comment: Not observed at significant frequency in large population cohorts (gnomAD); In silico analysis supports that this missense variant has a deleterious effect on protein structure/function; Not observed in any breast cancer cases, but was observed in unaffected controls (Momozawa et al., 2018); This variant is associated with the following publications: (PMID: 22419737, 19782031, 30287823)

Literature cited by the submitters: PubMed 30287823 (cited by Ambry Genetics).

NM_007194.4(CHEK2):c.857T>C (p.Ile286Thr)

Gene: CHEK2 (checkpoint kinase 2; minus strand). Cytogenetic location: 22q12.1.
Variant type: single nucleotide variant.
Coding change: c.857T>C on transcript NM_007194.4 (MANE Select); coding-DNA position 857, T replaced by C.
Protein change: p.Ile286Thr; replaces isoleucine 286 with threonine.
Molecular consequence: missense variant.
Genome position (GRCh38, 1-based): chr22:28,703,556, A>G on the plus strand (T>C on the coding strand, the complement: CHEK2 is on the minus strand). VCF-style: chr22-28703556-A-G. GRCh37 (hg19) VCF-style: chr22-29099544-A-G.
Other names: c.986T>C, p.Ile329Thr (NM_001005735.3); c.194T>C, p.Ile65Thr (NM_001257387.3); c.656T>C, p.Ile219Thr (NM_001349956.3); c.857T>C, p.Ile286Thr (NM_145862.3); short protein forms I286T, I219T, I329T, I65T.
Identifiers: ClinVar variation 489884 (VCV000489884.20), dbSNP rs1555917019, ClinGen allele CA411101289.